The following is an entry in ClinVar:

NM_001243925.2(MAPKAPK3):c.1039G>A (p.Asp347Asn)

Gene: MAPKAPK3 (MAPK activated protein kinase 3; plus strand). Cytogenetic location: 3p21.2.
Variant type: single nucleotide variant.
Coding change: c.1039G>A on transcript NM_001243925.2 (MANE Select); coding-DNA position 1039, G replaced by A.
Protein change: p.Asp347Asn; replaces aspartic acid 347 with asparagine.
Molecular consequence: missense variant.
Genome position (GRCh38, 1-based): chr3:50,647,936, G>A. VCF-style: chr3-50647936-G-A. GRCh37 (hg19) VCF-style: chr3-50685367-G-A.
Other names: c.1039G>A, p.Asp347Asn (NM_001243926.2, NM_004635.5); c.1039G>A (NM_004635.4); short protein forms D347N.
Identifiers: ClinVar variation 1061610 (VCV001061610.6), dbSNP rs1205843411, ClinGen allele CA352940111.
Genomic context (GRCh38, chr3:50,647,936, plus strand): 5'-CATCCTGTCTGTCCCCAGGAGGAGATGACCAGTGCCTTGGCCACTATGCGGGTAGACTAC[G>A]ACCAGGTGAAGATCAAGGACCTGAAGACCTCTAACAACCGGCTCCTCAACAAGAGGAGAA-3'
Protein context (NP_001230854.1, residues 337-357): SALATMRVDY[Asp347Asn]QVKIKDLKTS

ClinVar aggregate classification (germline): Uncertain significance. Review status: criteria provided, multiple submitters, no conflicts (2 of 4 stars). 2 submissions from 2 submitters: Uncertain significance (2). Last evaluated 2025-10-18.

Allele frequency attached by ClinVar (database versions not stated): gnomAD 0.00001; gnomAD exomes 0.00001.
gnomAD v4.1: 9 of 1,613,868 alleles (0.00056%); highest among the groups gnomAD compares: East Asian, 0.0045%; no homozygotes.

Submissions (2):

Ambry Genetics
Classification: Uncertain significance. Last evaluated: 2025-10-18. Review status: criteria provided, single submitter. Criteria: Ambry Variant Classification Scheme 2023. Collection method: clinical testing. Allele origin: germline.

Labcorp Genetics (formerly Invitae), Labcorp
Classification: Uncertain significance. Last evaluated: 2024-07-18. Review status: criteria provided, single submitter. Criteria: Invitae Variant Classification Sherloc (09022015). Collection method: clinical testing. Allele origin: germline.
Comment: This sequence change replaces aspartic acid, which is acidic and polar, with asparagine, which is neutral and polar, at codon 347 of the MAPKAPK3 protein (p.Asp347Asn). This variant is present in population databases (no rsID available, gnomAD 0.003%). This variant has not been reported in the literature in individuals affected with MAPKAPK3-related conditions. ClinVar contains an entry for this variant (Variation ID: 1061610). An algorithm developed to predict the effect of missense changes on protein structure and function (PolyPhen-2) suggests that this variant is likely to be tolerated. In summary, the available evidence is currently insufficient to determine the role of this variant in disease. Therefore, it has been classified as a Variant of Uncertain Significance.